The following is an entry in ClinVar:

NM_006158.5(NEFL):c.1186G>A (p.Glu396Lys)

Gene: NEFL (neurofilament light chain; minus strand). Cytogenetic location: 8p21.2.
Variant type: single nucleotide variant.
Coding change: c.1186G>A on transcript NM_006158.5 (MANE Select); coding-DNA position 1186, G replaced by A.
Protein change: p.Glu396Lys; replaces glutamic acid 396 with lysine.
Molecular consequence: missense variant.
Genome position (GRCh38, 1-based): chr8:24,953,779, C>T on the plus strand (G>A on the coding strand, the complement: NEFL is on the minus strand). VCF-style: chr8-24953779-C-T. GRCh37 (hg19) VCF-style: chr8-24811293-C-T.
Other names: NEFL, GLU396LYS (rs62636503); short protein forms E396K.
Identifiers: ClinVar variation 66671 (VCV000066671.17), dbSNP rs62636503, ClinGen allele CA217487.

ClinVar aggregate classification (germline): Pathogenic. Review status: criteria provided, multiple submitters, no conflicts (2 of 4 stars). 9 submissions from 9 submitters: Pathogenic (7). 2 of the submissions do not count toward it. Last evaluated 2025-10-07.

Conditions:
Charcot-Marie-Tooth disease, dominant intermediate G. Identifiers: MedGen C4693509, MONDO:0036484, OMIM 617882.
Charcot-Marie-Tooth disease. Also called: Charcot-Marie-Tooth Neuropathy; Charcot-Marie-Tooth Hereditary Neuropathy. Identifiers: Orphanet 166, MedGen C0007959, MONDO:0015626.
Charcot-Marie-Tooth disease type 1F. Also called: Charcot-Marie-Tooth disease, demyelinating, type 1f; CHARCOT-MARIE-TOOTH NEUROPATHY, TYPE 1F. Identifiers: Orphanet 101085, MedGen C1843164, MONDO:0011902, OMIM 607734.
Charcot-Marie-Tooth disease type 2E (CMT2E). Also called: CHARCOT-MARIE-TOOTH DISEASE, AXONAL, TYPE 2E; CHARCOT-MARIE-TOOTH NEUROPATHY, TYPE 2E. Identifiers: Orphanet 99939, MedGen C1843225, MONDO:0011894, OMIM 607684.
NEFL-related disorder. Also called: NEFL-related condition.

Submissions (9):

Labcorp Genetics (formerly Invitae), Labcorp
Classification: Pathogenic for Charcot-Marie-Tooth disease type 2E. Last evaluated: 2025-10-07. Review status: criteria provided, single submitter. Criteria: Invitae Variant Classification Sherloc (09022015). Collection method: clinical testing. Allele origin: germline.
Comment: This sequence change replaces glutamic acid, which is acidic and polar, with lysine, which is basic and polar, at codon 396 of the NEFL protein (p.Glu396Lys). This variant is not present in population databases (gnomAD no frequency). This missense change has been observed in individuals with autosomal dominant Charcot-Marie-Tooth disease (CMT) (PMID: 14733962, 17052987, 19158810, 22206013, 24887401, 25877835, 26109717, 27549087). It has also been observed to segregate with disease in related individuals. This variant is also known as p.Glu397Lys. ClinVar contains an entry for this variant (Variation ID: 66671). Invitae Evidence Modeling of protein sequence and biophysical properties (such as structural, functional, and spatial information, amino acid conservation, physicochemical variation, residue mobility, and thermodynamic stability) indicates that this missense variant is expected to disrupt NEFL protein function with a positive predictive value of 80%. Experimental studies have shown that this missense change affects NEFL function (PMID: 21493625, 22288874). For these reasons, this variant has been classified as Pathogenic.

Women's Health and Genetics/Laboratory Corporation of America, LabCorp
Classification: Pathogenic for Charcot-Marie-Tooth disease type 1F. Last evaluated: 2025-03-18. Review status: criteria provided, single submitter. Criteria: LabCorp Variant Classification Summary - May 2015. Collection method: clinical testing. Allele origin: germline.
Comment: Variant summary: NEFL c.1186G>A (p.Glu396Lys) results in a conservative amino acid change in the encoded protein sequence. Two of three in-silico tools predict a damaging effect of the variant on protein function. The frequency data for this variant in gnomAD is considered unreliable, as metrics indicate poor data quality at this position. c.1186G>A has been reported in the literature in multiple individuals affected with Charcot-Marie-Tooth disease type 1F-AD and this variant this variant co-segregated with the disease (Chao_2023). These data indicate that the variant is very likely to be associated with disease. At least one publication reports this variant affected NEFL protein function (Shen_2011). The following publications have been ascertained in the context of this evaluation (PMID: 36031490, 21493625). ClinVar contains an entry for this variant (Variation ID: 66671). Based on the evidence outlined above, the variant was classified as pathogenic.

GeneDx
Classification: Pathogenic. Last evaluated: 2025-02-14. Review status: criteria provided, single submitter. Criteria: GeneDx Variant Classification Process June 2021. Collection method: clinical testing. Allele origin: germline. Affected: yes.
Comment: Published functional studies in mice demonstrate a damaging effect resulting in altered neurofilament organization in motor and sensory roots and reduced number of large sensory axons (PMID: 27643807, 21493625); Not observed at significant frequency in large population cohorts (gnomAD); In silico analysis supports that this missense variant has a deleterious effect on protein structure/function; This variant is associated with the following publications: (PMID: 19158810, 20039262, 26645395, 35044100, 17052987, 15241803, 21493625, 14733962, 22206013, 27040688, 25877835, 26109717, 22288874, 23412702, 27549087, 27862672, 31211173, 31701603, 31574566, 30569449, 31715019, 29191368, 24887401, 32376792, 27643807, 36865196, 36964972, 26423936, 39763989, 38578900, 34255403, 18023247, 36031490)

Blueprint Genetics
Classification: Pathogenic for NEFL-related disorders. Last evaluated: 2023-10-03. Review status: criteria provided, single submitter. Criteria: ACMG Guidelines, 2015. Collection method: clinical testing. Allele origin: germline. Affected: yes. Observed: 1 variant allele.

Institute of Medical Genetics and Applied Genomics, University Hospital Tübingen
Classification: Pathogenic. Last evaluated: 2021-02-01. Review status: criteria provided, single submitter. Criteria: ACMG Guidelines, 2015. Collection method: clinical testing. Allele origin: germline. Inheritance: Autosomal dominant inheritance. Affected: yes.

Juno Genomics, Hangzhou Juno Genomics, Inc
Classification: Pathogenic for Charcot-Marie-Tooth disease type 2E. Review status: criteria provided, single submitter. Criteria: ACMG Guidelines, 2015. Collection method: clinical testing. Allele origin: germline. Affected: yes.
Comment: Absent from controls (or at extremely low frequency if recessive) in Genome Aggregation Database, Exome Sequencing Project, 1000 Genomes Project, or Exome Aggregation Consortium.;Located in a mutational hot spot and/or critical and well-established functional domain (e.g. active site of an enzyme) without benign variation.;The prevalence of the variant in affected individuals is significantly increased compared to the prevalence in controls.;Patient's phenotype or family history is highly specific for a disease with a single genetic etiology.;Co-segregation with disease in multiple affected family members in a gene definitively known to cause the disease.;Well-established in vitro or in vivo functional studies supportive of a damaging effect on the gene or gene product.

Molecular Genetics Laboratory, London Health Sciences Centre
Classification: Pathogenic for Charcot-Marie-Tooth disease. Review status: criteria provided, single submitter. Criteria: ACMG Guidelines, 2015. Collection method: clinical testing. Allele origin: germline. Affected: yes.

OMIM
Classification: Pathogenic for CHARCOT-MARIE-TOOTH DISEASE, DOMINANT INTERMEDIATE G. Last evaluated: 2014-09-01. Review status: no assertion criteria provided. Collection method: literature only. Allele origin: germline. Not counted in ClinVar's aggregate classification.

Epithelial Biology;  Institute of Medical Biology, Singapore
No classification provided. Review status: no classification provided. Collection method: not provided. Allele origin: not provided. Not counted in ClinVar's aggregate classification.

Literature cited by the submitters: PubMed 14733962 (cited by Labcorp Genetics (formerly Invitae), Labcorp and OMIM); PubMed 17052987 (cited by Labcorp Genetics (formerly Invitae), Labcorp and OMIM); PubMed 19158810 (cited by Labcorp Genetics (formerly Invitae), Labcorp); PubMed 22206013 (cited by Labcorp Genetics (formerly Invitae), Labcorp); PubMed 24887401 (cited by Labcorp Genetics (formerly Invitae), Labcorp and OMIM); PubMed 25877835 (cited by Labcorp Genetics (formerly Invitae), Labcorp and OMIM); PubMed 26109717 (cited by Labcorp Genetics (formerly Invitae), Labcorp); PubMed 27549087 (cited by Labcorp Genetics (formerly Invitae), Labcorp); PubMed 21493625 (cited by Labcorp Genetics (formerly Invitae), Labcorp and Women's Health and Genetics/Laboratory Corporation of America, LabCorp); PubMed 22288874 (cited by Labcorp Genetics (formerly Invitae), Labcorp); PubMed 36031490 (cited by Women's Health and Genetics/Laboratory Corporation of America, LabCorp).